The following is an entry in ClinVar:

ClinVar aggregate classification (germline): Uncertain significance (1 of 4 stars; one submission).

Conditions:
Cardiomyopathy (CMYO). Also called: Cardiomyopathies. Identifiers: Orphanet 167848, MedGen C0878544, MONDO:0004994, HP:0001638. Inheritance: Various modes of inheritance.

Submission:

Color Diagnostics, LLC DBA Color Health
Classification: Uncertain significance for Cardiomyopathy. Last evaluated: 2025-07-14. Review status: criteria provided, single submitter. Criteria: ACMG Guidelines, 2015. Collection method: clinical testing. Allele origin: germline.
Comment: This missense variant replaces methionine with isoleucine at codon 494 of the RYR2 protein. Computational prediction suggests that this variant may not impact protein structure and function. To our knowledge, functional studies have not been reported for this variant. This variant has not been reported in individuals affected with RYR2-related disorders in the literature. This variant has not been identified in the general population by the Genome Aggregation Database (gnomAD). The available evidence is insufficient to determine the role of this variant in disease conclusively. Therefore, this variant is classified as a Variant of Uncertain Significance.

NM_001035.3(RYR2):c.1482G>T (p.Met494Ile)

Gene: RYR2 (ryanodine receptor 2; plus strand). Cytogenetic location: 1q43.
Variant type: single nucleotide variant.
Coding change: c.1482G>T on transcript NM_001035.3 (MANE Select); coding-DNA position 1482, G replaced by T.
Protein change: p.Met494Ile; replaces methionine 494 with isoleucine.
Molecular consequence: missense variant.
Genome position (GRCh38, 1-based): chr1:237,456,605, G>T. VCF-style: chr1-237456605-G-T. GRCh37 (hg19) VCF-style: chr1-237619905-G-T.
Other names: short protein forms M494I.
Identifiers: ClinVar variation 4758916 (VCV004758916.1).